The following is an entry in ClinVar:

ClinVar aggregate classification (germline): Likely benign (1 of 4 stars; one submission).

Conditions:
NTRK2-related disorder. Also called: NTRK2-related condition.

gnomAD v4.1: 29 of 1,613,464 alleles (0.0018%); highest among the groups gnomAD compares: Non-Finnish European, 0.0025%; no homozygotes.

Submission:

PreventionGenetics, part of Exact Sciences
Classification: Likely benign for NTRK2-related condition. Last evaluated: 2025-10-22. Review status: criteria provided, single submitter. Criteria: ACMG Guidelines, 2015. Collection method: clinical testing. Allele origin: germline.
Comment: This variant is classified as likely benign based on ACMG/AMP sequence variant interpretation guidelines (Richards et al. 2015 PMID: 25741868, with internal and published modifications).

NM_006180.6(NTRK2):c.2332-10C>T

Gene: NTRK2 (neurotrophic receptor tyrosine kinase 2; plus strand). Cytogenetic location: 9q21.33.
Variant type: single nucleotide variant.
Coding change: c.2332-10C>T on transcript NM_006180.6 (MANE Select); 10 bases into the intron before coding-DNA position 2332, C replaced by T.
Molecular consequence: intron variant.
Genome position (GRCh38, 1-based): chr9:85,021,242, C>T. VCF-style: chr9-85021242-C-T. GRCh37 (hg19) VCF-style: chr9-87636157-C-T.
Other names: c.2284-10C>T (NM_001369532.1, NM_001369533.1, NM_001018064.3); c.2248-10C>T (NM_001369534.1); c.1864-10C>T (NM_001369536.1); c.1816-10C>T (NM_001369535.1).
Identifiers: ClinVar variation 4984285 (VCV004984285.1).
Genomic context (GRCh38, chr9:85,021,242, plus strand): 5'-TTTGCACTGACATTTCTTCGATGTGCATTGCTTTTCCTCCTGTCTCATCCTATCTTTGAT[C>T]TCCATCCAGGTGATAGAGTGTATCACTCAGGGCCGAGTCCTGCAGCGACCCCGCACGTGC-3'